The following is an entry in ClinVar:

ClinVar aggregate classification (germline): Pathogenic (1 of 4 stars; one submission).

Conditions:
Multiple congenital exostosis (EXT). Also called: Multiple exostoses; MULTIPLE CARTILAGINOUS EXOSTOSES; Hereditary multiple exostoses; Hereditary multiple exostosis; Multiple osteochondromas; Hereditary multiple osteochondromas. Identifiers: Orphanet 321, MedGen C0015306, MONDO:0005508, HP:0002762.

Submission:

Labcorp Genetics (formerly Invitae), Labcorp
Classification: Pathogenic for Multiple congenital exostosis. Last evaluated: 2025-07-08. Review status: criteria provided, single submitter. Criteria: Invitae Variant Classification Sherloc (09022015). Collection method: clinical testing. Allele origin: germline.
Comment: This sequence change creates a premature translational stop signal (p.Glu574Glyfs*13) in the EXT1 gene. It is expected to result in an absent or disrupted protein product. Loss-of-function variants in EXT1 are known to be pathogenic (PMID: 10679937, 11391482, 19810120). This variant is not present in population databases (gnomAD no frequency). This variant has not been reported in the literature in individuals affected with EXT1-related conditions. Algorithms developed to predict the effect of sequence changes on RNA splicing suggest that this variant may disrupt the consensus splice site. For these reasons, this variant has been classified as Pathogenic.

Literature cited by the submitters: PubMed 10679937; PubMed 11391482; PubMed 19810120.

NM_000127.3(EXT1):c.1721_1722del (p.Glu574fs)

Gene: EXT1 (exostosin glycosyltransferase 1; minus strand). Cytogenetic location: 8q24.11.
Variant type: Microsatellite.
Coding change: c.1721_1722del on transcript NM_000127.3 (MANE Select); coding-DNA positions 1721 to 1722, 2 bases deleted (AG; older notation c.1721_1722delAG).
Protein change: p.Glu574fs; shifts the reading frame from glutamic acid 574.
Molecular consequence: frameshift variant.
Genome position (GRCh38, 1-based): chr8:117,812,872-117,812,873, CT deleted on the plus strand (AG on the coding strand, the reverse complement: EXT1 is on the minus strand); deleting any 2 consecutive bases within chr8:117,812,872-117,812,875 gives the same sequence; the c. name uses the placement nearest the transcript's 3' end. VCF-style (leftmost placement, unchanged base first): chr8-117812871-CCT-C. GRCh37 (hg19) VCF-style: chr8-118825110-CCT-C.
Other names: short protein forms E574fs.
Identifiers: ClinVar variation 4722865 (VCV004722865.1).